The following is an entry in ClinVar:

ClinVar aggregate classification (germline): Likely pathogenic (1 of 4 stars; one submission).

Conditions:
Propionic acidemia (PROP). Also called: KETOTIC HYPERGLYCINEMIA; GLYCINEMIA, KETOTIC; HYPERGLYCINEMIA WITH KETOACIDOSIS AND LEUKOPENIA. Identifiers: Orphanet 35, MedGen C0268579, MONDO:0011628, OMIM 606054, HP:0003571.

Submission:

Labcorp Genetics (formerly Invitae), Labcorp
Classification: Likely pathogenic for Propionic acidemia. Last evaluated: 2020-05-20. Review status: criteria provided, single submitter. Criteria: Invitae Variant Classification Sherloc (09022015). Collection method: clinical testing. Allele origin: germline.
Comment: In summary, the currently available evidence indicates that the variant is pathogenic, but additional data are needed to prove that conclusively. Therefore, this variant has been classified as Likely Pathogenic. Donor and acceptor splice site variants typically lead to a loss of protein function (PMID: 16199547), and loss-of-function variants in PCCA are known to be pathogenic (PMID: 15464417). Algorithms developed to predict the effect of sequence changes on RNA splicing suggest that this variant may disrupt the consensus splice site, but this prediction has not been confirmed by published transcriptional studies. This variant has not been reported in the literature in individuals with PCCA-related conditions. This variant is not present in population databases (ExAC no frequency). This sequence change affects a donor splice site in intron 8 of the PCCA gene. It is expected to disrupt RNA splicing and likely results in an absent or disrupted protein product.

Literature cited by the submitters: PubMed 16199547; PubMed 15464417.

NM_000282.4(PCCA):c.637+2T>A

Gene: PCCA (propionyl-CoA carboxylase subunit alpha; plus strand). Cytogenetic location: 13q32.3.
Variant type: single nucleotide variant.
Coding change: c.637+2T>A on transcript NM_000282.4 (MANE Select); the canonical splice donor site of the intron after coding-DNA position 637, T replaced by A.
Molecular consequence: splice donor variant.
Genome position (GRCh38, 1-based): chr13:100,235,880, T>A. VCF-style: chr13-100235880-T-A. GRCh37 (hg19) VCF-style: chr13-100888134-T-A.
Other names: c.637+2T>A (NM_001178004.2, NM_001352605.2, NM_001352606.2 and 1 more transcripts); c.-230+2T>A (NM_001352610.2, NM_001352611.2, NM_001352612.2); c.559+2T>A (NM_001127692.3, NM_001352607.2, NM_001352608.2).
Identifiers: ClinVar variation 1068396 (VCV001068396.7), dbSNP rs2152522245, ClinGen allele CA388694022.